The following is an entry in ClinVar:

NM_000455.5(STK11):c.17C>T (p.Pro6Leu)

Gene: STK11 (serine/threonine kinase 11; plus strand). Cytogenetic location: 19p13.3.
Variant type: single nucleotide variant.
Coding change: c.17C>T on transcript NM_000455.5 (MANE Select); coding-DNA position 17, C replaced by T.
Protein change: p.Pro6Leu; replaces proline 6 with leucine.
Molecular consequence: missense variant.
Genome position (GRCh38, 1-based): chr19:1,206,930, C>T. VCF-style: chr19-1206930-C-T. GRCh37 (hg19) VCF-style: chr19-1206929-C-T.
Other names: short protein forms P6L.
Identifiers: ClinVar variation 943418 (VCV000943418.16), dbSNP rs775346785, ClinGen allele CA402943039.

ClinVar aggregate classification (germline): Uncertain significance. Review status: criteria provided, multiple submitters, no conflicts (2 of 4 stars). 4 submissions from 4 submitters: Uncertain significance (4). Last evaluated 2021-07-15.

Conditions:
Peutz-Jeghers syndrome (PJS). Also called: Peutz-Jeghers polyposis; Periorificial lentiginosis syndrome; POLYPOSIS, HAMARTOMATOUS INTESTINAL; POLYPS-AND-SPOTS SYNDROME. Identifiers: Orphanet 2869, MedGen C0031269, MeSH D010580, MONDO:0008280, OMIM 175200.
Hereditary cancer-predisposing syndrome. Also called: Neoplastic Syndromes, Hereditary; Hereditary neoplastic syndrome; Hereditary Cancer Syndrome; Tumor predisposition. Identifiers: Orphanet 140162, MedGen C0027672, MeSH D009386, MONDO:0015356.

Submissions (4):

Genome-Nilou Lab
Classification: Uncertain significance for Peutz-Jeghers syndrome. Last evaluated: 2021-07-15. Review status: criteria provided, single submitter. Criteria: ACMG Guidelines, 2015. Collection method: clinical testing. Allele origin: germline. Affected: no.

Ambry Genetics
Classification: Uncertain significance for Hereditary cancer-predisposing syndrome. Last evaluated: 2021-06-08. Review status: criteria provided, single submitter. Criteria: Ambry Variant Classification Scheme 2023. Collection method: clinical testing. Allele origin: germline.
Comment: The p.P6L variant (also known as c.17C>T), located in coding exon 1 of the STK11 gene, results from a C to T substitution at nucleotide position 17. The proline at codon 6 is replaced by leucine, an amino acid with similar properties. This amino acid position is well conserved in available vertebrate species. In addition, this alteration is predicted to be tolerated by in silico analysis. Since supporting evidence is limited at this time, the clinical significance of this alteration remains unclear.

Labcorp Genetics (formerly Invitae), Labcorp
Classification: Uncertain significance for Peutz-Jeghers syndrome. Last evaluated: 2021-01-15. Review status: criteria provided, single submitter. Criteria: Invitae Variant Classification Sherloc (09022015). Collection method: clinical testing. Allele origin: germline.
Comment: This sequence change replaces proline with leucine at codon 6 of the STK11 protein (p.Pro6Leu). The proline residue is moderately conserved and there is a moderate physicochemical difference between proline and leucine. This variant is not present in population databases (ExAC no frequency). This variant has not been reported in the literature in individuals with STK11-related conditions. ClinVar contains an entry for this variant (Variation ID: 943418). Advanced modeling of experimental studies (such as gene expression, population dynamics, functional pathways, and cell-cycle effects in cell culture) performed at Invitae indicates that this missense variant is not expected to disrupt STK11 protein function. In summary, the available evidence is currently insufficient to determine the role of this variant in disease. Therefore, it has been classified as a Variant of Uncertain Significance.

Color Diagnostics, LLC DBA Color Health
Classification: Uncertain significance for Hereditary cancer-predisposing syndrome. Last evaluated: 2021-01-06. Review status: criteria provided, single submitter. Criteria: ACMG Guidelines, 2015. Collection method: clinical testing. Allele origin: germline.
Comment: This missense variant replaces proline with leucine at codon 6 of the STK11 protein. Computational prediction suggests that this variant may not impact protein structure and function (internally defined REVEL score threshold <= 0.5, PMID: 27666373). To our knowledge, functional studies have not been reported for this variant. This variant has not been reported in individuals affected with hereditary cancer in the literature. This variant has not been identified in the general population by the Genome Aggregation Database (gnomAD). The available evidence is insufficient to determine the role of this variant in disease conclusively. Therefore, this variant is classified as a Variant of Uncertain Significance.